The following is an entry in ClinVar:

ClinVar aggregate classification (germline): Pathogenic/Likely pathogenic. Review status: criteria provided, multiple submitters, no conflicts (2 of 4 stars). 2 submissions from 2 submitters: Pathogenic (1); Likely pathogenic (1). Last evaluated 2024-04-12.

Conditions:
Developmental and epileptic encephalopathy, 12 (DEE12). Identifiers: MedGen C3150988, MONDO:0013389, OMIM 613722.

Allele frequency attached by ClinVar (database versions not stated): TOPMed below 0.00001; gnomAD exomes 0.00001.

Submissions (2):

Labcorp Genetics (formerly Invitae), Labcorp
Classification: Pathogenic for Developmental and epileptic encephalopathy, 12. Last evaluated: 2024-04-12. Review status: criteria provided, single submitter. Criteria: Invitae Variant Classification Sherloc (09022015). Collection method: clinical testing. Allele origin: germline.
Comment: This sequence change creates a premature translational stop signal (p.Glu356*) in the PNKP gene. It is expected to result in an absent or disrupted protein product. Loss-of-function variants in PNKP are known to be pathogenic (PMID: 20118933, 25728773). The frequency data for this variant in the population databases is considered unreliable, as metrics indicate poor data quality at this position in the gnomAD database. This variant has not been reported in the literature in individuals affected with PNKP-related conditions. ClinVar contains an entry for this variant (Variation ID: 1382516). Algorithms developed to predict the effect of sequence changes on RNA splicing suggest that this variant may disrupt the consensus splice site. For these reasons, this variant has been classified as Pathogenic.

GeneDx
Classification: Likely pathogenic. Last evaluated: 2023-05-11. Review status: criteria provided, single submitter. Criteria: GeneDx Variant Classification Process June 2021. Collection method: clinical testing. Allele origin: germline. Affected: yes.
Comment: Nonsense variant predicted to result in protein truncation or nonsense mediated decay in a gene for which loss of function is a known mechanism of disease; Not observed at significant frequency in large population cohorts (gnomAD); Has not been previously published as pathogenic or benign to our knowledge

Literature cited by the submitters: PubMed 20118933 (cited by Labcorp Genetics (formerly Invitae), Labcorp); PubMed 25728773 (cited by Labcorp Genetics (formerly Invitae), Labcorp).

NM_007254.4(PNKP):c.1066G>T (p.Glu356Ter)

Gene: PNKP (polynucleotide kinase 3'-phosphatase; minus strand). Cytogenetic location: 19q13.33.
Variant type: single nucleotide variant.
Coding change: c.1066G>T on transcript NM_007254.4 (MANE Select); coding-DNA position 1066, G replaced by T.
Protein change: p.Glu356Ter; replaces glutamic acid 356 with a stop codon.
Molecular consequence: nonsense.
Genome position (GRCh38, 1-based): chr19:49,862,245, C>A on the plus strand (G>T on the coding strand, the complement: PNKP is on the minus strand). VCF-style: chr19-49862245-C-A. GRCh37 (hg19) VCF-style: chr19-50365502-C-A.
Other names: c.1066G>T (NM_007254.2); short protein forms E356*.
Identifiers: ClinVar variation 1382516 (VCV001382516.7), dbSNP rs1170743406, ClinGen allele CA406879943.